The following is an entry in ClinVar:

ClinVar aggregate classification (germline): Pathogenic (1 of 4 stars; one submission).

Submission:

Labcorp Genetics (formerly Invitae), Labcorp
Classification: Pathogenic. Last evaluated: 2025-12-01. Review status: criteria provided, single submitter. Criteria: Invitae Variant Classification Sherloc (09022015). Collection method: clinical testing. Allele origin: germline.
Comment: This sequence change creates a premature translational stop signal (p.Leu459*) in the TCF12 gene. It is expected to result in an absent or disrupted protein product. Loss-of-function variants in TCF12 are known to be pathogenic (PMID: 23354436, 32620954). This variant is not present in population databases (gnomAD no frequency). This premature translational stop signal has been observed in individual(s) with craniosynostosis (PMID: 23354436, 33904513). For these reasons, this variant has been classified as Pathogenic.

Literature cited by the submitters: PubMed 23354436; PubMed 32620954; PubMed 33904513.

NM_207037.2(TCF12):c.1376T>G (p.Leu459Ter)

Gene: TCF12 (transcription factor 12; plus strand). Cytogenetic location: 15q21.3.
Variant type: single nucleotide variant.
Coding change: c.1376T>G on transcript NM_207037.2 (MANE Select); coding-DNA position 1376, T replaced by G.
Protein change: p.Leu459Ter; replaces leucine 459 with a stop codon.
Molecular consequence: nonsense.
Genome position (GRCh38, 1-based): chr15:57,253,377, T>G. VCF-style: chr15-57253377-T-G. GRCh37 (hg19) VCF-style: chr15-57545575-T-G.
Other names: c.866T>G, p.Leu289Ter (NM_001306219.3); c.596T>G, p.Leu199Ter (NM_001306220.3); c.1376T>G, p.Leu459Ter (NM_001322151.2, NM_001322152.2, NM_001322159.3 and 2 more transcripts); c.719T>G, p.Leu240Ter (NM_001322154.2); c.1202T>G, p.Leu401Ter (NM_001322156.2); c.1304T>G, p.Leu435Ter (NM_001322157.3, NM_001322165.2, NM_003205.4 and 1 more transcripts); c.1130T>G, p.Leu377Ter (NM_001322158.2); c.1373T>G, p.Leu458Ter (NM_001322161.2); and 2 more; short protein forms L265*, L401*, L435*, L459*, L377*, L199*, L447*, L240*.
Identifiers: ClinVar variation 4710187 (VCV004710187.1).
Genomic context (GRCh38, chr15:57,253,377, plus strand): 5'-GGAACCATGCTGTGGGACCTTCCACCAGTTTGCCTGCTGGTCACAGTGATATACATAGTT[T>G]ATTGGGACCATCCCATAATGCACCAATTGGAAGCCTCAATTCAAACTATGGAGGATCAAG-3'